The following is an entry in ClinVar:

ClinVar aggregate classification (germline): Uncertain significance. Review status: criteria provided, multiple submitters, no conflicts (2 of 4 stars). 3 submissions from 3 submitters: Uncertain significance (3). Last evaluated 2025-06-17.

Conditions:
SYNE1-related disorder. Also called: SYNE1-related disease; SYNE1-related condition; SYNE1-related disorders.
Emery-Dreifuss muscular dystrophy 4, autosomal dominant (EDMD4). Also called: EMERY-DREIFUSS MUSCULAR DYSTROPHY 4 WITH VARIABLE FEATURES. Identifiers: Orphanet 261, MedGen C2751807, MONDO:0013071, OMIM 612998.
Autosomal recessive ataxia, Beauce type. Also called: ATAXIA, RECESSIVE, OF BEAUCE; SYNE1 Deficiency; Spinocerebellar ataxia, autosomal recessive 8; SYNE1-Related Autosomal Recessive Cerebellar Ataxia. Identifiers: Orphanet 88644, MedGen C1853116, MONDO:0012549, OMIM 610743.

Allele frequency attached by ClinVar (database versions not stated): gnomAD exomes below 0.00001; ExAC 0.00001; gnomAD 0.00001.
gnomAD v4.1: 6 of 1,614,088 alleles (0.00037%); highest among the groups gnomAD compares: Non-Finnish European, 0.00051%; no homozygotes.

Submissions (3):

Revvity Omics, Revvity
Classification: Uncertain significance. Last evaluated: 2025-06-17. Review status: criteria provided, single submitter. Criteria: ACMG Guidelines, 2015. Collection method: clinical testing. Allele origin: germline.

PreventionGenetics, part of Exact Sciences
Classification: Uncertain significance for SYNE1-related condition. Last evaluated: 2023-03-15. Review status: criteria provided, single submitter. Criteria: ACMG Guidelines, 2015. Collection method: clinical testing. Allele origin: germline.
Comment: The SYNE1 c.14545A>T variant is predicted to result in the amino acid substitution p.Ile4849Phe. To our knowledge, this variant has not been reported in the literature. This variant is reported in 0.00088% of alleles in individuals of European (Non-Finnish) descent in gnomAD. At this time, the clinical significance of this variant is uncertain due to the absence of conclusive functional and genetic evidence.

Labcorp Genetics (formerly Invitae), Labcorp
Classification: Uncertain significance for Emery-Dreifuss muscular dystrophy 4, autosomal dominant; Autosomal recessive ataxia, Beauce type. Last evaluated: 2022-06-04. Review status: criteria provided, single submitter. Criteria: Invitae Variant Classification Sherloc (09022015). Collection method: clinical testing. Allele origin: germline.
Comment: In summary, the available evidence is currently insufficient to determine the role of this variant in disease. Therefore, it has been classified as a Variant of Uncertain Significance. This sequence change replaces isoleucine, which is neutral and non-polar, with phenylalanine, which is neutral and non-polar, at codon 4849 of the SYNE1 protein (p.Ile4849Phe). This variant is present in population databases (rs555355654, gnomAD 0.0009%). This variant has not been reported in the literature in individuals affected with SYNE1-related conditions. ClinVar contains an entry for this variant (Variation ID: 851035). Algorithms developed to predict the effect of missense changes on protein structure and function are either unavailable or do not agree on the potential impact of this missense change (SIFT: "Deleterious"; PolyPhen-2: "Possibly Damaging"; Align-GVGD: "Class C15").

NM_182961.4(SYNE1):c.14758A>T (p.Ile4920Phe)

Gene: SYNE1 (spectrin repeat containing nuclear envelope protein 1; minus strand). Cytogenetic location: 6q25.2.
Variant type: single nucleotide variant.
Coding change: c.14758A>T on transcript NM_182961.4 (MANE Select); coding-DNA position 14758, A replaced by T.
Protein change: p.Ile4920Phe; replaces isoleucine 4920 with phenylalanine.
Molecular consequence: missense variant.
Genome position (GRCh38, 1-based): chr6:152,329,927, T>A on the plus strand (A>T on the coding strand, the complement: SYNE1 is on the minus strand). VCF-style: chr6-152329927-T-A. GRCh37 (hg19) VCF-style: chr6-152651062-T-A.
Other names: c.14545A>T, p.Ile4849Phe (NM_033071.5); short protein forms I4849F, I4920F.
Identifiers: ClinVar variation 851035 (VCV000851035.11), dbSNP rs555355654, ClinGen allele CA4055949.